The following is an entry in ClinVar:

ClinVar aggregate classification (germline): Uncertain significance (1 of 4 stars; one submission).

Conditions:
Developmental and epileptic encephalopathy, 53. Also called: Epileptic encephalopathy, early infantile, 53. Identifiers: MedGen C4479313, MONDO:0033362, OMIM 617389.
Early-onset Parkinson disease 20. Also called: PARKINSON DISEASE 20, AUTOSOMAL RECESSIVE EARLY-ONSET. Identifiers: Orphanet 391411, MedGen C3809824, MONDO:0014233, OMIM 615530.

Allele frequency attached by ClinVar (database versions not stated): ExAC 0.00001; gnomAD 0.00001; gnomAD exomes 0.00001; TOPMed 0.00002.
gnomAD v4.1: 15 of 1,614,036 alleles (0.00093%); highest among the groups gnomAD compares: Non-Finnish European, 0.0013%; no homozygotes.

Submission:

Labcorp Genetics (formerly Invitae), Labcorp
Classification: Uncertain significance for Developmental and epileptic encephalopathy, 53; Early-onset Parkinson disease 20. Last evaluated: 2023-06-29. Review status: criteria provided, single submitter. Criteria: Invitae Variant Classification Sherloc (09022015). Collection method: clinical testing. Allele origin: germline.
Comment: ClinVar contains an entry for this variant (Variation ID: 1945832). This variant has not been reported in the literature in individuals affected with SYNJ1-related conditions. This variant is present in population databases (rs768275983, gnomAD 0.0009%). This sequence change replaces serine, which is neutral and polar, with cysteine, which is neutral and slightly polar, at codon 1080 of the SYNJ1 protein (p.Ser1080Cys). Advanced modeling of protein sequence and biophysical properties (such as structural, functional, and spatial information, amino acid conservation, physicochemical variation, residue mobility, and thermodynamic stability) performed at Invitae indicates that this missense variant is expected to disrupt SYNJ1 protein function. In summary, the available evidence is currently insufficient to determine the role of this variant in disease. Therefore, it has been classified as a Variant of Uncertain Significance.

NM_203446.3(SYNJ1):c.3122C>G (p.Ser1041Cys)

Gene: SYNJ1 (synaptojanin 1; minus strand). Cytogenetic location: 21q22.11.
Variant type: single nucleotide variant.
Coding change: c.3122C>G on transcript NM_203446.3 (MANE Select); coding-DNA position 3122, C replaced by G.
Protein change: p.Ser1041Cys; replaces serine 1041 with cysteine.
Molecular consequence: missense variant.
Genome position (GRCh38, 1-based): chr21:32,646,518, G>C on the plus strand (C>G on the coding strand, the complement: SYNJ1 is on the minus strand). VCF-style: chr21-32646518-G-C. GRCh37 (hg19) VCF-style: chr21-34018828-G-C.
Other names: c.3122C>G, p.Ser1041Cys (NM_001160302.2); c.3107C>G, p.Ser1036Cys (NM_001160306.2); c.3239C>G, p.Ser1080Cys (NM_003895.4); short protein forms S1036C, S1080C, S1041C.
Identifiers: ClinVar variation 1945832 (VCV001945832.4), dbSNP rs768275983, ClinGen allele CA10003504.
Genomic context (GRCh38, chr21:32,646,518, plus strand): 5'-ACAGGACCCTCTGATATTGTAGGTGACTGGCAGGGACTAGTTCGGGGTGAAGAGCTGGGG[G>C]AAGTACCAAGGCCGGAACTTGAAGATGGCTGGAGATGCTGAGGAAGAAGTTCCTCCACTT-3'
Protein context (NP_982271.3, residues 1031-1051): QPSSSSGLGT[Ser1041Cys]PSSSPRTSPC